The following is an entry in ClinVar:

ClinVar aggregate classification (germline): Uncertain significance. Review status: criteria provided, multiple submitters, no conflicts (2 of 4 stars). 2 submissions from 2 submitters: Uncertain significance (2). Last evaluated 2021-09-01.

Conditions:
Charcot-Marie-Tooth disease type 4. Also called: Charcot-Marie-Tooth disease, type IV; Charcot-Marie-Tooth, Type 4. Identifiers: Orphanet 64749, MedGen C4082197, MONDO:0018995.
Charcot-Marie-Tooth disease. Also called: Charcot-Marie-Tooth Neuropathy; Charcot-Marie-Tooth Hereditary Neuropathy. Identifiers: Orphanet 166, MedGen C0007959, MONDO:0015626.
Charcot-Marie-Tooth disease type 4B2. Also called: Charcot-Marie-Tooth Neuropathy Type 4B2; CHARCOT-MARIE-TOOTH DISEASE, DEMYELINATING, TYPE 4B2; CHARCOT-MARIE-TOOTH DISEASE, WITH FOCALLY FOLDED MYELIN SHEATHS, AUTOSOMAL RECESSIVE, TYPE 4B2; CMT 4B2. Identifiers: Orphanet 99956, MedGen C1858278, MONDO:0011475, OMIM 604563.

Allele frequency attached by ClinVar (database versions not stated): TOPMed below 0.00001; ExAC 0.00001; gnomAD 0.00001; gnomAD exomes 0.00001.
gnomAD v4.1: 12 of 1,614,030 alleles (0.00074%); highest among the groups gnomAD compares: Admixed American, 0.0033%; no homozygotes.

Submissions (2):

Labcorp Genetics (formerly Invitae), Labcorp
Classification: Uncertain significance for Charcot-Marie-Tooth disease type 4. Last evaluated: 2021-09-01. Review status: criteria provided, single submitter. Criteria: Invitae Variant Classification Sherloc (09022015). Collection method: clinical testing. Allele origin: germline.
Comment: This sequence change replaces serine with leucine at codon 1296 of the SBF2 protein (p.Ser1296Leu). The serine residue is weakly conserved and there is a large physicochemical difference between serine and leucine. The frequency data for this variant in the population databases is considered unreliable, as metrics indicate poor data quality at this position in the ExAC database. This variant has not been reported in the literature in individuals affected with SBF2-related conditions. Algorithms developed to predict the effect of missense changes on protein structure and function are either unavailable or do not agree on the potential impact of this missense change (SIFT: "Deleterious"; PolyPhen-2: "Benign"; Align-GVGD: "Class C0"). In summary, the available evidence is currently insufficient to determine the role of this variant in disease. Therefore, it has been classified as a Variant of Uncertain Significance.

Molecular Genetics Laboratory, London Health Sciences Centre
Classification: Uncertain significance for Charcot-Marie-Tooth disease. Review status: criteria provided, single submitter. Criteria: ACMG Guidelines, 2015. Collection method: clinical testing. Allele origin: germline. Affected: yes.

NM_030962.4(SBF2):c.3887C>T (p.Ser1296Leu)

Gene: SBF2 (SET binding factor 2; minus strand). Cytogenetic location: 11p15.4.
Variant type: single nucleotide variant.
Coding change: c.3887C>T on transcript NM_030962.4 (MANE Select); coding-DNA position 3887, C replaced by T.
Protein change: p.Ser1296Leu; replaces serine 1296 with leucine.
Molecular consequence: missense variant.
Genome position (GRCh38, 1-based): chr11:9,816,931, G>A on the plus strand (C>T on the coding strand, the complement: SBF2 is on the minus strand). VCF-style: chr11-9816931-G-A. GRCh37 (hg19) VCF-style: chr11-9838478-G-A.
Other names: c.3983C>T, p.Ser1328Leu (NM_001386339.1); c.3758C>T, p.Ser1253Leu (NM_001386342.1); short protein forms S1296L, S1253L, S1328L.
Identifiers: ClinVar variation 570866 (VCV000570866.10), dbSNP rs767811228, ClinGen allele CA5881113.